The following is an entry in ClinVar:

NM_004656.4(BAP1):c.1448A>G (p.Gln483Arg)

Gene: BAP1 (BRCA1 associated deubiquitinase 1; minus strand). Cytogenetic location: 3p21.1.
Variant type: single nucleotide variant.
Coding change: c.1448A>G on transcript NM_004656.4 (MANE Select); coding-DNA position 1448, A replaced by G.
Protein change: p.Gln483Arg; replaces glutamine 483 with arginine.
Molecular consequence: missense variant.
Genome position (GRCh38, 1-based): chr3:52,403,697, T>C on the plus strand (A>G on the coding strand, the complement: BAP1 is on the minus strand). VCF-style: chr3-52403697-T-C. GRCh37 (hg19) VCF-style: chr3-52437713-T-C.
Other names: c.1394A>G, p.Gln465Arg (NM_001410772.1); short protein forms Q465R, Q483R.
Identifiers: ClinVar variation 3007535 (VCV003007535.3), dbSNP rs2471328984, ClinGen allele CA353101277.
Genomic context (GRCh38, chr3:52,403,697, plus strand): 5'-AAAGCACTGCCGATCTCAGAGGCCGTGTCTGTACTCTCATTGCTGGGGGTGGGTGAGGGC[T>C]GCGAGTGTGTGGGCACTGCCACAGCCGGACTCCCAGCCCCGCTGCTAGTCTTGATGGACA-3'
Protein context (NP_004647.1, residues 473-493): SPAVAVPTHS[Gln483Arg]PSPTPSNEST

ClinVar aggregate classification (germline): Uncertain significance (1 of 4 stars; one submission).

Conditions:
BAP1-related tumor predisposition syndrome (TPDS1). Also called: COMMON Syndrome; Tumor susceptibility linked to germline BAP1 mutations; TUMOR PREDISPOSITION SYNDROME 1; BAP1 tumor predisposition syndrome. Identifiers: Orphanet 289539, MedGen C3280492, MONDO:0013692, OMIM 614327.

Submission:

Labcorp Genetics (formerly Invitae), Labcorp
Classification: Uncertain significance for BAP1-related tumor predisposition syndrome. Last evaluated: 2023-11-14. Review status: criteria provided, single submitter. Criteria: Invitae Variant Classification Sherloc (09022015). Collection method: clinical testing. Allele origin: germline.
Comment: This sequence change replaces glutamine, which is neutral and polar, with arginine, which is basic and polar, at codon 483 of the BAP1 protein (p.Gln483Arg). This variant is not present in population databases (gnomAD no frequency). This variant has not been reported in the literature in individuals affected with BAP1-related conditions. Advanced modeling of protein sequence and biophysical properties (such as structural, functional, and spatial information, amino acid conservation, physicochemical variation, residue mobility, and thermodynamic stability) performed at Invitae indicates that this missense variant is not expected to disrupt BAP1 protein function with a negative predictive value of 80%. In summary, the available evidence is currently insufficient to determine the role of this variant in disease. Therefore, it has been classified as a Variant of Uncertain Significance.